The following is an entry in ClinVar:

NM_001164508.2(NEB):c.24454C>G (p.Arg8152Gly)

Genes: RIF1 (replication timing regulatory factor 1; plus strand), NEB (nebulin; minus strand). Cytogenetic location: 2q23.3.
Variant type: single nucleotide variant.
Coding change: c.24454C>G on transcript NM_001164508.2 (MANE Select); coding-DNA position 24454, C replaced by G.
Protein change: p.Arg8152Gly; replaces arginine 8152 with glycine.
Molecular consequence: missense variant.
Genome position (GRCh38, 1-based): chr2:151,496,308, G>C on the plus strand (C>G on the coding strand, the complement: NEB is on the minus strand). VCF-style: chr2-151496308-G-C. GRCh37 (hg19) VCF-style: chr2-152352822-G-C.
Other names: c.24454C>G, p.Arg8152Gly (NM_001164507.2); c.24559C>G, p.Arg8187Gly (NM_001271208.2); c.18886C>G, p.Arg6296Gly (NM_004543.5); short protein forms R6296G, R8152G, R8187G.
Identifiers: ClinVar variation 847104 (VCV000847104.9), dbSNP rs763364977, ClinGen allele CA348778292.

ClinVar aggregate classification (germline): Uncertain significance (1 of 4 stars; one submission).

Conditions:
Nemaline myopathy 2 (NEM2). Also called: Nemaline myopathy 2, autosomal recessive. Identifiers: MedGen C1850569, MONDO:0009725, OMIM 256030.

gnomAD v4.1: 1 of 1,611,362 alleles (0.000062%); highest among the groups gnomAD compares: African/African-American, 0.0013%; no homozygotes.

Submission:

Labcorp Genetics (formerly Invitae), Labcorp
Classification: Uncertain significance for Nemaline myopathy 2. Last evaluated: 2022-06-04. Review status: criteria provided, single submitter. Criteria: Invitae Variant Classification Sherloc (09022015). Collection method: clinical testing. Allele origin: germline.
Comment: This sequence change replaces arginine, which is basic and polar, with glycine, which is neutral and non-polar, at codon 8187 of the NEB protein (p.Arg8187Gly). This variant is not present in population databases (gnomAD no frequency). This variant has not been reported in the literature in individuals affected with NEB-related conditions. ClinVar contains an entry for this variant (Variation ID: 847104). Algorithms developed to predict the effect of missense changes on protein structure and function are either unavailable or do not agree on the potential impact of this missense change (SIFT: "Deleterious"; PolyPhen-2: "Not Available"; Align-GVGD: "Class C0"). In summary, the available evidence is currently insufficient to determine the role of this variant in disease. Therefore, it has been classified as a Variant of Uncertain Significance.